The following is an entry in ClinVar:

ClinVar aggregate classification (germline): Likely benign (1 of 4 stars; one submission).

Submission:

CeGaT Center for Human Genetics Tuebingen
Classification: Likely benign. Last evaluated: 2026-05-01. Review status: criteria provided, single submitter. Criteria: CeGaT Center For Human Genetics Tuebingen Variant Classification Criteria Version 2. Collection method: clinical testing. Allele origin: germline. Affected: yes. Observed: 1 variant allele.
Comment: ACSL1: PM2:Supporting, BP4, BP7

NM_001995.5(ACSL1):c.609A>C (p.Pro203=)

Gene: ACSL1 (acyl-CoA synthetase long chain family member 1; minus strand). Cytogenetic location: 4q35.1.
Variant type: single nucleotide variant.
Coding change: c.609A>C on transcript NM_001995.5 (MANE Select); coding-DNA position 609, A replaced by C.
Protein change: p.Pro203=; no amino-acid change (proline 203 retained).
Molecular consequence: synonymous variant. On other transcripts: non-coding transcript variant (8).
Genome position (GRCh38, 1-based): chr4:184,776,631, T>G on the plus strand (A>C on the coding strand, the complement: ACSL1 is on the minus strand). VCF-style: chr4-184776631-T-G. GRCh37 (hg19) VCF-style: chr4-185697785-T-G.
Other names: c.609A>C, p.Pro203= (NM_001286708.2, NM_001286710.2, NM_001381877.1 and 10 more transcripts); c.507A>C, p.Pro169= (NM_001286711.2); c.462A>C, p.Pro154= (NM_001381888.1, NM_001381889.1); c.417A>C, p.Pro139= (NM_001381890.1).
Identifiers: ClinVar variation 4874953 (VCV004874953.2).